The following is an entry in ClinVar:

ClinVar aggregate classification (germline): Uncertain significance (1 of 4 stars; one submission).

Conditions:
Dilated cardiomyopathy 1Z (CMD1Z). Identifiers: Orphanet 154, MedGen C2678475, MONDO:0012745, OMIM 611879.
Hypertrophic cardiomyopathy 13. Also called: TNNC1-Related Familial Hypertrophic Cardiomyopathy. Identifiers: MedGen C2750472, MONDO:0013195, OMIM 613243.

Submission:

Labcorp Genetics (formerly Invitae), Labcorp
Classification: Uncertain significance for Hypertrophic cardiomyopathy 13; Dilated cardiomyopathy 1Z. Last evaluated: 2020-01-18. Review status: criteria provided, single submitter. Criteria: Invitae Variant Classification Sherloc (09022015). Collection method: clinical testing. Allele origin: germline.
Comment: This variant is not present in population databases (ExAC no frequency). This variant has not been reported in the literature in individuals with TNNC1-related conditions. This sequence change replaces aspartic acid with glutamic acid at codon 62 of the TNNC1 protein (p.Asp62Glu). The aspartic acid residue is moderately conserved and there is a small physicochemical difference between aspartic acid and glutamic acid. Algorithms developed to predict the effect of missense changes on protein structure and function are either unavailable or do not agree on the potential impact of this missense change (SIFT: "Tolerated"; PolyPhen-2: "Probably Damaging"; Align-GVGD: "Class C0"). In summary, the available evidence is currently insufficient to determine the role of this variant in disease. Therefore, it has been classified as a Variant of Uncertain Significance.

NM_003280.3(TNNC1):c.186T>G (p.Asp62Glu)

Gene: TNNC1 (troponin C1, slow skeletal and cardiac type; minus strand). Cytogenetic location: 3p21.1.
Variant type: single nucleotide variant.
Coding change: c.186T>G on transcript NM_003280.3 (MANE Select); coding-DNA position 186, T replaced by G.
Protein change: p.Asp62Glu; replaces aspartic acid 62 with glutamic acid.
Molecular consequence: missense variant.
Genome position (GRCh38, 1-based): chr3:52,452,122, A>C on the plus strand (T>G on the coding strand, the complement: TNNC1 is on the minus strand). VCF-style: chr3-52452122-A-C. GRCh37 (hg19) VCF-style: chr3-52486138-A-C.
Other names: short protein forms D62E.
Identifiers: ClinVar variation 1014893 (VCV001014893.5), dbSNP rs1553651734, ClinGen allele CA353168102.